The following is an entry in ClinVar:

ClinVar aggregate classification (germline): Benign (1 of 4 stars; one submission).

Allele frequency attached by ClinVar (database versions not stated): 1000 Genomes Project 0.03095; 1000 Genomes Project 30x 0.03186; TOPMed 0.05364; gnomAD 0.05772 and 0.05892; ESP Exome Variant Server 0.06013; gnomAD exomes 0.06513 and 0.07276; ExAC 0.06671.
gnomAD v4.1: 113,758 of 1,607,620 alleles (7.1%); highest among the groups gnomAD compares: Non-Finnish European, 8.1%; 4,507 homozygotes.

Submission:

GeneDx
Classification: Benign. Last evaluated: 2018-06-15. Review status: criteria provided, single submitter. Criteria: GeneDx Variant Classification (06012015). Collection method: clinical testing. Allele origin: germline. Affected: yes.
Comment: This variant is considered likely benign or benign based on one or more of the following criteria: it is a conservative change, it occurs at a poorly conserved position in the protein, it is predicted to be benign by multiple in silico algorithms, and/or has population frequency not consistent with disease.

NM_016929.5(CLIC5):c.174-23C>A

Gene: CLIC5 (chloride intracellular channel 5; minus strand). Cytogenetic location: 6p21.1.
Variant type: single nucleotide variant.
Coding change: c.174-23C>A on transcript NM_016929.5 (MANE Select); 23 bases into the intron before coding-DNA position 174, C replaced by A.
Molecular consequence: intron variant.
Genome position (GRCh38, 1-based): chr6:45,949,404, G>T on the plus strand (C>A on the coding strand, the complement: CLIC5 is on the minus strand). VCF-style: chr6-45949404-G-T. GRCh37 (hg19) VCF-style: chr6-45917141-G-T.
Other names: c.57-23C>A (NM_001370649.1); c.651-23C>A (NM_001370650.1, NM_001114086.2); c.174-23C>A (NM_001256023.2).
Identifiers: ClinVar variation 682764 (VCV000682764.1), dbSNP rs56131491, ClinGen allele CA3836885.